The following is an entry in ClinVar:

ClinVar aggregate classification (germline): Pathogenic. Review status: criteria provided, multiple submitters, no conflicts (2 of 4 stars). 3 submissions from 3 submitters: Pathogenic (3). Last evaluated 2023-04-29.

Conditions:
Kabuki syndrome. Also called: NIIKAWA-KUROKI SYNDROME; Kabuki make-up syndrome. Identifiers: Orphanet 2322, MedGen C0796004, MONDO:0016512.
Inborn genetic diseases. Identifiers: MedGen C0950123, MeSH D030342.

Submissions (3):

Labcorp Genetics (formerly Invitae), Labcorp
Classification: Pathogenic for Kabuki syndrome. Last evaluated: 2023-04-29. Review status: criteria provided, single submitter. Criteria: Invitae Variant Classification Sherloc (09022015). Collection method: clinical testing. Allele origin: germline.
Comment: This missense change has been observed in individual(s) with Kabuki syndrome (PMID: 24633898, 27302555, 30459467, 34232366). In at least one individual the variant was observed to be de novo. This variant is not present in population databases (gnomAD no frequency). This sequence change replaces glutamic acid, which is acidic and polar, with lysine, which is basic and polar, at codon 5425 of the KMT2D protein (p.Glu5425Lys). ClinVar contains an entry for this variant (Variation ID: 1696871). For these reasons, this variant has been classified as Pathogenic. Advanced modeling of protein sequence and biophysical properties (such as structural, functional, and spatial information, amino acid conservation, physicochemical variation, residue mobility, and thermodynamic stability) performed at Invitae indicates that this missense variant is not expected to disrupt KMT2D protein function.

Ambry Genetics
Classification: Pathogenic for Inborn genetic diseases. Last evaluated: 2022-12-20. Review status: criteria provided, single submitter. Criteria: Ambry Variant Classification Scheme 2023. Collection method: clinical testing. Allele origin: germline.
Comment: The c.16273G>A (p.E5425K) alteration is located in exon 51 (coding exon 51) of the KMT2D gene. This alteration results from a G to A substitution at nucleotide position 16273, causing the glutamic acid (E) at amino acid position 5425 to be replaced by a lysine (K). This variant was not reported in population-based cohorts in the Genome Aggregation Database (gnomAD). This variant has been detected in multiple individuals with Kabuki syndrome, including some cases of reported de novo occurrence (Micale, 2014; Lin, 2015; B&ouml;gershausen, 2016; Cocciadiferro, 2018; Shangguan, 2019; Di Candia, 2022). This amino acid position is highly conserved in available vertebrate species. This missense alteration is located in a region that has a low rate of benign missense variation (Lek, 2016; Firth, 2009). In vitro functional studies demonstrate that the p.E5425K variant results in defective methyltransferase activity, diminished H3K4 methylation, and weaker interaction with ASH2L and RbBP5 complex proteins compared to wild type (Cocciadiferro, 2018). This alteration is predicted to be deleterious by in silico analysis. Based on the available evidence, this alteration is classified as pathogenic.

GeneDx
Classification: Pathogenic. Last evaluated: 2022-07-12. Review status: criteria provided, single submitter. Criteria: GeneDx Variant Classification Process June 2021. Collection method: clinical testing. Allele origin: germline. Affected: yes.
Comment: Published functional studies demonstrate a damaging effect (reduces protein enzymatic activity and disrupts protein complex formation) (Cocciadiffero et al., 2018); Not observed at significant frequency in large population cohorts (gnomAD); In silico analysis supports that this missense variant has a deleterious effect on protein structure/function; This variant is associated with the following publications: (PMID: 24633898, 25142838, 27302555, 30459467, 34232366, Bing-Bing2017[casereport], 30107592)

Literature cited by the submitters: PubMed 24633898 (cited by Labcorp Genetics (formerly Invitae), Labcorp and Ambry Genetics); PubMed 27302555 (cited by Labcorp Genetics (formerly Invitae), Labcorp and Ambry Genetics); PubMed 30459467 (cited by Labcorp Genetics (formerly Invitae), Labcorp); PubMed 34232366 (cited by Labcorp Genetics (formerly Invitae), Labcorp and Ambry Genetics); PubMed 25142838 (cited by Ambry Genetics); PubMed 30107592 (cited by Ambry Genetics); PubMed 31727177 (cited by Ambry Genetics).

NM_003482.4(KMT2D):c.16273G>A (p.Glu5425Lys)

Gene: KMT2D (lysine methyltransferase 2D; minus strand). Cytogenetic location: 12q13.12.
Variant type: single nucleotide variant.
Coding change: c.16273G>A on transcript NM_003482.4 (MANE Select); coding-DNA position 16273, G replaced by A.
Protein change: p.Glu5425Lys; replaces glutamic acid 5425 with lysine.
Molecular consequence: missense variant.
Genome position (GRCh38, 1-based): chr12:49,022,655, C>T on the plus strand (G>A on the coding strand, the complement: KMT2D is on the minus strand). VCF-style: chr12-49022655-C-T. GRCh37 (hg19) VCF-style: chr12-49416438-C-T.
Other names: short protein forms E5425K.
Identifiers: ClinVar variation 1696871 (VCV001696871.8), dbSNP rs2137706560, ClinGen allele CA384677795.